The following is an entry in ClinVar:

NM_032119.4(ADGRV1):c.2367+2T>A

Gene: ADGRV1 (adhesion G protein-coupled receptor V1; plus strand). Cytogenetic location: 5q14.3.
Variant type: single nucleotide variant.
Coding change: c.2367+2T>A on transcript NM_032119.4 (MANE Select); the canonical splice donor site of the intron after coding-DNA position 2367, T replaced by A.
Molecular consequence: splice donor variant.
Genome position (GRCh38, 1-based): chr5:90,642,764, T>A. VCF-style: chr5-90642764-T-A. GRCh37 (hg19) VCF-style: chr5-89938581-T-A.
Identifiers: ClinVar variation 3601646 (VCV003601646.1).
Genomic context (GRCh38, chr5:90,642,764, plus strand): 5'-ATGACCCTGGGGGAGTTTTTGAATTTTCTCCTGCTTCCAGAGGACCCTATGTTATAAAAG[T>A]AAGTACGAAAAAAACTTCCATTTATTCTGTGCTCACAACTTTAGAAGAATGATCTCAAAG-3'

ClinVar aggregate classification (germline): Likely pathogenic (1 of 4 stars; one submission).

Conditions:
Usher syndrome type 2C. Also called: Usher syndrome, type 2B; USHER SYNDROME, TYPE IIC. Identifiers: Orphanet 231178, Orphanet 886, MedGen C2931213, MONDO:0011558, OMIM 605472.

Submission:

Institute of Rare Diseases, West China Hospital, Sichuan University
Classification: Likely pathogenic for Usher syndrome type 2C. Last evaluated: 2025-01-09. Review status: criteria provided, single submitter. Criteria: ClinGen HL ACMG Specifications v1. Collection method: research. Allele origin: germline. Affected: yes.
Comment: PVS1;PM2_Supporting